The following is an entry in ClinVar:

NM_000135.4(FANCA):c.2505-1G>A

Gene: FANCA (FA complementation group A; minus strand). Cytogenetic location: 16q24.3.
Variant type: single nucleotide variant.
Coding change: c.2505-1G>A on transcript NM_000135.4 (MANE Select); the canonical splice acceptor site of the intron before coding-DNA position 2505, G replaced by A.
Molecular consequence: splice acceptor variant.
Genome position (GRCh38, 1-based): chr16:89,767,238, C>T on the plus strand (G>A on the coding strand, the complement: FANCA is on the minus strand). VCF-style: chr16-89767238-C-T. GRCh37 (hg19) VCF-style: chr16-89833646-C-T.
Other names: c.2505-1G>A (NM_001286167.3).
Identifiers: ClinVar variation 4817520 (VCV004817520.1).

ClinVar aggregate classification (germline): Likely pathogenic (1 of 4 stars; one submission).

Conditions:
Fanconi anemia (FA). Also called: Fanconi's anemia. Identifiers: Orphanet 84, MedGen C0015625, MeSH D005199, MONDO:0019391.

Submission:

Natera, Inc.
Classification: Likely pathogenic for Fanconi anemia. Last evaluated: 2026-01-12. Review status: criteria provided, single submitter. Criteria: Natera Variant Classification Schema (03/2026). Collection method: clinical testing. Allele origin: germline.
Comment: The c.2505-1G>A variant in FANCA is a canonical splice acceptor site variant predicted to affect pre-mRNA splicing, which may result in an abnormal transcript and altered protein product. This variant is expected to result in nonsense mediated decay, truncation, or a dysfunctional protein product. This variant is rare in the general population with a frequency below the threshold expected for the associated phenotype(s). Given the available evidence, this variant is classified as Likely Pathogenic.